The following is an entry in ClinVar:

ClinVar aggregate classification (germline): Pathogenic (1 of 4 stars; one submission).

Submission:

Labcorp Genetics (formerly Invitae), Labcorp
Classification: Pathogenic. Last evaluated: 2023-08-18. Review status: criteria provided, single submitter. Criteria: Invitae Variant Classification Sherloc (09022015). Collection method: clinical testing. Allele origin: germline.
Comment: This sequence change creates a premature translational stop signal (p.Gly10Alafs*53) in the TBCD gene. It is expected to result in an absent or disrupted protein product. Loss-of-function variants in TBCD are known to be pathogenic (PMID: 27666370, 27666374). This variant is not present in population databases (gnomAD no frequency). For these reasons, this variant has been classified as Pathogenic. This variant has not been reported in the literature in individuals affected with TBCD-related conditions.

Literature cited by the submitters: PubMed 27666370; PubMed 27666374.

NM_005993.5(TBCD):c.29del (p.Gly10fs)

Gene: TBCD (tubulin folding cofactor D). Cytogenetic location: 17q25.3.
Variant type: Deletion.
Coding change: c.29del on transcript NM_005993.5 (MANE Select); coding-DNA position 29, one base deleted.
Protein change: p.Gly10fs; shifts the reading frame from glycine 10.
Molecular consequence: frameshift variant.
Genome position: GRCh38 VCF-style: chr17-82752219-CG-C. GRCh37 (hg19) VCF-style: chr17-80710095-CG-C.
Other names: c.29del, p.Gly10fs (NM_001411101.1, NM_001411102.1); short protein forms G10fs.
Identifiers: ClinVar variation 2753842 (VCV002753842.3), dbSNP rs2510348338, ClinGen allele CA2697555274.